The following is an entry in ClinVar:

NM_001134407.3(GRIN2A):c.2314A>G (p.Lys772Glu)

Gene: GRIN2A (glutamate ionotropic receptor NMDA type subunit 2A; minus strand). Cytogenetic location: 16p13.2.
Variant type: single nucleotide variant.
Coding change: c.2314A>G on transcript NM_001134407.3 (MANE Select); coding-DNA position 2314, A replaced by G.
Protein change: p.Lys772Glu; replaces lysine 772 with glutamic acid.
Molecular consequence: missense variant.
Genome position (GRCh38, 1-based): chr16:9,798,319, T>C on the plus strand (A>G on the coding strand, the complement: GRIN2A is on the minus strand). VCF-style: chr16-9798319-T-C. GRCh37 (hg19) VCF-style: chr16-9892176-T-C.
Other names: c.2314A>G, p.Lys772Glu (NM_000833.5, NM_001134408.2); short protein forms K772E.
Identifiers: ClinVar variation 1483207 (VCV001483207.6), dbSNP rs1555488094, ClinGen allele CA394797026.

ClinVar aggregate classification (germline): Likely pathogenic (1 of 4 stars; one submission).

Conditions:
Landau-Kleffner syndrome (FESD). Also called: EPILEPSY, FOCAL, WITH SPEECH DISORDER AND WITH OR WITHOUT MENTAL RETARDATION; APHASIA, ACQUIRED, WITH EPILEPSY. Identifiers: Orphanet 1945, Orphanet 725, Orphanet 98818, MedGen C0282512, MONDO:0009509, OMIM 245570.

Submission:

Labcorp Genetics (formerly Invitae), Labcorp
Classification: Likely pathogenic for Landau-Kleffner syndrome. Last evaluated: 2022-09-13. Review status: criteria provided, single submitter. Criteria: Invitae Variant Classification Sherloc (09022015). Collection method: clinical testing. Allele origin: germline.
Comment: In summary, the currently available evidence indicates that the variant is pathogenic, but additional data are needed to prove that conclusively. Therefore, this variant has been classified as Likely Pathogenic. Experimental studies have shown that this missense change affects GRIN2A function (PMID: 27839871). Advanced modeling of protein sequence and biophysical properties (such as structural, functional, and spatial information, amino acid conservation, physicochemical variation, residue mobility, and thermodynamic stability) performed at Invitae indicates that this missense variant is expected to disrupt GRIN2A protein function. ClinVar contains an entry for this variant (Variation ID: 1483207). This missense change has been observed in individuals with clinical features of GRIN2A-related conditions (PMID: 23933819; Invitae). This variant is not present in population databases (gnomAD no frequency). This sequence change replaces lysine, which is basic and polar, with glutamic acid, which is acidic and polar, at codon 772 of the GRIN2A protein (p.Lys772Glu).

Literature cited by the submitters: PubMed 27839871; PubMed 23933819.